The following is an entry in ClinVar:

NM_005502.4(ABCA1):c.4665C>G (p.Ile1555Met)

Gene: ABCA1 (ATP binding cassette subfamily A member 1; minus strand). Cytogenetic location: 9q31.1.
Variant type: single nucleotide variant.
Coding change: c.4665C>G on transcript NM_005502.4 (MANE Select); coding-DNA position 4665, C replaced by G.
Protein change: p.Ile1555Met; replaces isoleucine 1555 with methionine.
Molecular consequence: missense variant.
Genome position (GRCh38, 1-based): chr9:104,802,087, G>C on the plus strand (C>G on the coding strand, the complement: ABCA1 is on the minus strand). VCF-style: chr9-104802087-G-C. GRCh37 (hg19) VCF-style: chr9-107564368-G-C.
Other names: short protein forms I1555M.
Identifiers: ClinVar variation 1742273 (VCV001742273.2), dbSNP rs1830387173, ClinGen allele CA374314957.

ClinVar aggregate classification (germline): Uncertain significance (1 of 4 stars; one submission).

Conditions:
Cardiovascular phenotype. Identifiers: MedGen CN230736.

Allele frequency attached by ClinVar (database versions not stated): TOPMed below 0.00001.

Submission:

Ambry Genetics
Classification: Uncertain significance for Cardiovascular phenotype. Last evaluated: 2022-09-16. Review status: criteria provided, single submitter. Criteria: Ambry Variant Classification Scheme 2023. Collection method: clinical testing. Allele origin: germline.
Comment: The p.I1555M variant (also known as c.4665C>G), located in coding exon 33 of the ABCA1 gene, results from a C to G substitution at nucleotide position 4665. The isoleucine at codon 1555 is replaced by methionine, an amino acid with highly similar properties. This amino acid position is conserved. In addition, this alteration is predicted to be deleterious by in silico analysis. Since supporting evidence is limited at this time, the clinical significance of this alteration remains unclear.